The following is an entry in ClinVar:

ClinVar aggregate classification (germline): Uncertain significance (1 of 4 stars; one submission).

Conditions:
Cardiovascular phenotype. Identifiers: MedGen CN230736.

Submission:

Ambry Genetics
Classification: Uncertain significance for Cardiovascular phenotype. Last evaluated: 2026-06-14. Review status: criteria provided, single submitter. Criteria: Ambry Variant Classification Scheme 2023. Collection method: clinical testing. Allele origin: germline.
Comment: The p.G115S variant (also known as c.343G>A), located in coding exon 1 of the KCNE2 gene, results from a G to A substitution at nucleotide position 343. The glycine at codon 115 is replaced by serine, an amino acid with similar properties. This amino acid position is conserved. In addition, this alteration is predicted to be tolerated by in silico analysis. Based on the available evidence, the clinical significance of this variant remains unclear.

NM_172201.2(KCNE2):c.343G>A (p.Gly115Ser)

Genes: KCNE2 (potassium voltage-gated channel subfamily E regulatory subunit 2; plus strand), LOC105372791 (uncharacterized LOC105372791; minus strand). Cytogenetic location: 21q22.11.
Variant type: single nucleotide variant.
Coding change: c.343G>A on transcript NM_172201.2 (MANE Select); coding-DNA position 343, G replaced by A.
Protein change: p.Gly115Ser; replaces glycine 115 with serine.
Molecular consequence: missense variant. On other transcripts: non-coding transcript variant (2).
Genome position (GRCh38, 1-based): chr21:34,370,821, G>A. VCF-style: chr21-34370821-G-A. GRCh37 (hg19) VCF-style: chr21-35743120-G-A.
Other names: short protein forms G115S.
Identifiers: ClinVar variation 4858623 (VCV004858623.1).